The following is an entry in ClinVar:

NM_006231.4(POLE):c.1747G>C (p.Glu583Gln)

Gene: POLE (DNA polymerase epsilon, catalytic subunit; minus strand). Cytogenetic location: 12q24.33.
Variant type: single nucleotide variant.
Coding change: c.1747G>C on transcript NM_006231.4 (MANE Select); coding-DNA position 1747, G replaced by C.
Protein change: p.Glu583Gln; replaces glutamic acid 583 with glutamine.
Molecular consequence: missense variant.
Genome position (GRCh38, 1-based): chr12:132,672,262, C>G on the plus strand (G>C on the coding strand, the complement: POLE is on the minus strand). VCF-style: chr12-132672262-C-G. GRCh37 (hg19) VCF-style: chr12-133248848-C-G.
Other names: short protein forms E583Q.
Identifiers: ClinVar variation 4804533 (VCV004804533.1).

ClinVar aggregate classification (germline): Uncertain significance (1 of 4 stars; one submission).

Submission:

Labcorp Genetics (formerly Invitae), Labcorp
Classification: Uncertain significance. Last evaluated: 2025-09-25. Review status: criteria provided, single submitter. Criteria: Invitae Variant Classification Sherloc (09022015). Collection method: clinical testing. Allele origin: germline.
Comment: This sequence change replaces glutamic acid, which is acidic and polar, with glutamine, which is neutral and polar, at codon 583 of the POLE protein (p.Glu583Gln). This variant is not present in population databases (gnomAD no frequency). This variant has not been reported in the literature in individuals affected with POLE-related conditions. Invitae Evidence Modeling of protein sequence and biophysical properties (such as structural, functional, and spatial information, amino acid conservation, physicochemical variation, residue mobility, and thermodynamic stability) indicates that this missense variant is not expected to disrupt POLE protein function with a negative predictive value of 80%. In summary, the available evidence is currently insufficient to determine the role of this variant in disease. Therefore, it has been classified as a Variant of Uncertain Significance.